The following is an entry in ClinVar:

ClinVar aggregate classification (germline): Uncertain significance (1 of 4 stars; one submission).

Allele frequency attached by ClinVar (database versions not stated): TOPMed below 0.00001; ExAC 0.00001; gnomAD exomes 0.00001.
gnomAD v4.1: 8 of 1,613,146 alleles (0.0005%); highest among the groups gnomAD compares: East Asian, 0.0022%; no homozygotes.

Submission:

Labcorp Genetics (formerly Invitae), Labcorp
Classification: Uncertain significance. Last evaluated: 2026-02-02. Review status: criteria provided, single submitter. Criteria: Invitae Variant Classification Sherloc (09022015). Collection method: clinical testing. Allele origin: germline.
Comment: This sequence change replaces arginine, which is basic and polar, with histidine, which is basic and polar, at codon 165 of the FGF12 protein (p.Arg165His). This variant is present in population databases (rs768509717, gnomAD 0.003%). This variant has not been reported in the literature in individuals affected with FGF12-related conditions. ClinVar contains an entry for this variant (Variation ID: 1417636). Invitae Evidence Modeling of protein sequence and biophysical properties (such as structural, functional, and spatial information, amino acid conservation, physicochemical variation, residue mobility, and thermodynamic stability) has been performed for this missense variant. However, the output from this modeling did not meet the statistical confidence thresholds required to predict the impact of this variant on FGF12 protein function. In summary, the available evidence is currently insufficient to determine the role of this variant in disease. Therefore, it has been classified as a Variant of Uncertain Significance.

NM_004113.6(FGF12):c.308G>A (p.Arg103His)

Gene: FGF12 (fibroblast growth factor 12; minus strand). Cytogenetic location: 3q28.
Variant type: single nucleotide variant.
Coding change: c.308G>A on transcript NM_004113.6 (MANE Select); coding-DNA position 308, G replaced by A.
Protein change: p.Arg103His; replaces arginine 103 with histidine.
Molecular consequence: missense variant.
Genome position (GRCh38, 1-based): chr3:192,170,577, C>T on the plus strand (G>A on the coding strand, the complement: FGF12 is on the minus strand). VCF-style: chr3-192170577-C-T. GRCh37 (hg19) VCF-style: chr3-191888366-C-T.
Other names: c.197G>A, p.Arg66His (NM_001377292.1); c.236G>A, p.Arg79His (NM_001377293.1, NM_001377294.1); c.494G>A, p.Arg165His (NM_021032.5); short protein forms R165H, R66H, R79H, R103H.
Identifiers: ClinVar variation 1417636 (VCV001417636.8), dbSNP rs768509717, ClinGen allele CA2755742.